The following is an entry in ClinVar:

NM_000350.3(ABCA4):c.6383A>G (p.His2128Arg)

Gene: ABCA4 (ATP binding cassette subfamily A member 4; minus strand). Cytogenetic location: 1p22.1.
Variant type: single nucleotide variant.
Coding change: c.6383A>G on transcript NM_000350.3 (MANE Select); coding-DNA position 6383, A replaced by G.
Protein change: p.His2128Arg; replaces histidine 2128 with arginine.
Molecular consequence: missense variant.
Genome position (GRCh38, 1-based): chr1:94,001,005, T>C on the plus strand (A>G on the coding strand, the complement: ABCA4 is on the minus strand). VCF-style: chr1-94001005-T-C. GRCh37 (hg19) VCF-style: chr1-94466561-T-C.
Other names: NM_000350.3(ABCA4):c.6383A>G; c.6161A>G, p.His2054Arg (NM_001425324.1); short protein forms H2128R, H2054R.
Identifiers: ClinVar variation 99455 (VCV000099455.11), dbSNP rs61750651, ClinGen allele CA227399.

ClinVar aggregate classification (germline): Pathogenic. Review status: reviewed by expert panel (3 of 4 stars). 5 submissions from 5 submitters: Pathogenic (1). 4 of the submissions do not count toward it. Last evaluated 2025-12-05.

Conditions:
ABCA4-related retinopathy. Also called: ABCA4-related retinoapthy; ABCA4 retinoapthy. Identifiers: MedGen CN322612, MONDO:0800406.
Retinitis pigmentosa (RP). Identifiers: Orphanet 791, MedGen C0035334, MeSH D012174, MONDO:0019200, OMIM 268000. Inheritance: Autosomal dominant, autosomal recessive and X linked inheritance.
Severe early-childhood-onset retinal dystrophy (STGD1). Also called: MACULAR DYSTROPHY WITH FLECKS, TYPE 1; STGD; Stargardt disease 1; Stargardt macular dystrophy; Juvenile onset macular degeneration. Identifiers: Orphanet 364055, Orphanet 827, MedGen C1855465, MeSH D000080362, MONDO:0009549, OMIM 248200.

Allele frequency attached by ClinVar (database versions not stated): gnomAD exomes below 0.00001 and 0.00001; ExAC 0.00001.
gnomAD v4.1: 2 of 1,614,076 alleles (0.00012%); highest among the groups gnomAD compares: Admixed American, 0.0017%; no homozygotes.

Submissions (5):

ClinGen ABCA4 Variant Curation Expert Panel, Clingen
Classification: Pathogenic for ABCA4-related retinopathy. Last evaluated: 2025-12-05. Review status: reviewed by expert panel. Criteria: ClinGen ABCA4 ACMG Specifications V1.0.0. Collection method: curation. Allele origin: germline. Inheritance: Autosomal recessive inheritance.
Comment: The NM_000350.3(ABCA4):c.6383A>G variant in ABCA4 is a missense variant predicted to cause substitution of histidine by arginine at amino acid 2128 (p. His2128Arg). This variant is found in many cases of ABCA4-related retinopathy, but none meet the ClinGen ABCA4 VCEP criteria to apply PP4 (PMIDs: 23419329, 29925512, 25474345, 11328725, 10206579, 37217489, 37648803). The prevalence of the variant in affected individuals is significantly increased compared with the prevalence in controls. The OR is 47.7 and the CI is 4.71-2311.43, which is above the ABCA4 VCEP threshold of >5, where the CI does not contain 1 (PS4; PMID: 35120629). This variant has been detected in at least 5 individuals with ABCA4-related retinopathy. Of those individuals, all were compound heterozygous for the variant and a pathogenic variant (c.3G>T (p.Met1Ile); c.4457C>T (p.Pro1486Leu); c.5882G>A (p.Gly1961Glu); c.2588G>C p.Gly863Ala; c.2453G>A (p.Gly818Glu)) and none of those were confirmed in trans (PM3_Strong; PMIDs: 37648803, 37217489, 25474345, 29925512, 23419329). The total minor allele frequency in gnomAD v4.1.0 is 0.000001239 (2/1614076 alleles), which is lower than the ClinGen ABCA4 VCEP’s threshold for PM2_Supporting (<0.0001), meeting this criterion (PM2_Supporting). The computational predictor REVEL gives a score of 0.974 which is above the threshold of >0.772, evidence that predicts a damaging effect on ABCA4 function (PP3_Moderate). In summary, this variant meets the criteria to be classified as pathogenic for ABCA4-related retinopathy based on the ACMG/AMP criteria applied, as specified by the ClinGen ABCA4 VCEP (Specification Version 1): PS4, PM3_Strong, PM2_Supporting, PP3_Moderate.

Women's Health and Genetics/Laboratory Corporation of America, LabCorp
Classification: Pathogenic for Retinitis pigmentosa. Last evaluated: 2026-03-31. Review status: criteria provided, single submitter. Criteria: LabCorp Variant Classification Summary - May 2015. Collection method: clinical testing. Allele origin: germline. Not counted in ClinVar's aggregate classification.
Comment: Variant summary: ABCA4 c.6383A>G (p.His2128Arg) results in a non-conservative amino acid change in the encoded protein sequence. Algorithms developed to predict the effect of missense changes on protein structure and function all suggest that this variant is likely to be disruptive. The variant allele was found at a frequency of 8e-06 in 251442 control chromosomes (gnomAD). c.6383A>G has been observed in multiple individuals affected with Stargardt dystrophy or ABCA4-related retinopathy (Fujinami_2019, Chacn-Camacho_2013, Zaneveld_2015, Schlottmann_ _2023, Arias_ 2023, Chacn-Camacho_2024). These data indicate that the variant is very likely to be associated with disease. To our knowledge, no experimental evidence demonstrating an impact on protein function has been reported. The following publications have been ascertained in the context of this evaluation (PMID: 37648803, 39162841, 10206579, 29925512, 37217489, 25474345, 23419329). ClinVar contains an entry for this variant (Variation ID: 99455). Based on the evidence outlined above, the variant was classified as pathogenic.

Labcorp Genetics (formerly Invitae), Labcorp
Classification: Pathogenic. Last evaluated: 2024-12-02. Review status: criteria provided, single submitter. Criteria: Invitae Variant Classification Sherloc (09022015). Collection method: clinical testing. Allele origin: germline. Not counted in ClinVar's aggregate classification.
Comment: This sequence change replaces histidine, which is basic and polar, with arginine, which is basic and polar, at codon 2128 of the ABCA4 protein (p.His2128Arg). This variant is present in population databases (rs61750651, gnomAD 0.003%). This missense change has been observed in individual(s) with Stargardt disease (PMID: 23419329, 29925512). In at least one individual the data is consistent with being in trans (on the opposite chromosome) from a pathogenic variant. ClinVar contains an entry for this variant (Variation ID: 99455). Invitae Evidence Modeling of protein sequence and biophysical properties (such as structural, functional, and spatial information, amino acid conservation, physicochemical variation, residue mobility, and thermodynamic stability) indicates that this missense variant is expected to disrupt ABCA4 protein function with a positive predictive value of 95%. For these reasons, this variant has been classified as Pathogenic.

Ophthalmo-Genetics Lab, Instituto de Oftalmologia Conde de Valenciana
Classification: Pathogenic for Severe early-childhood-onset retinal dystrophy. Review status: no assertion criteria provided. Collection method: research. Allele origin: germline. Inheritance: Autosomal recessive inheritance. Affected: yes. Not counted in ClinVar's aggregate classification.

Retina International
No classification provided. Review status: no classification provided. Collection method: not provided. Allele origin: not provided. Not counted in ClinVar's aggregate classification.

Literature cited by the submitters: PubMed 25474345 (cited by Women's Health and Genetics/Laboratory Corporation of America, LabCorp); PubMed 23419329 (cited by Women's Health and Genetics/Laboratory Corporation of America, LabCorp and Labcorp Genetics (formerly Invitae), Labcorp); PubMed 29925512 (cited by Women's Health and Genetics/Laboratory Corporation of America, LabCorp and Labcorp Genetics (formerly Invitae), Labcorp); PubMed 10206579 (cited by Women's Health and Genetics/Laboratory Corporation of America, LabCorp and Ophthalmo-Genetics Lab, Instituto de Oftalmologia Conde de Valenciana); PubMed 37217489 (cited by Women's Health and Genetics/Laboratory Corporation of America, LabCorp); PubMed 39162841 (cited by Women's Health and Genetics/Laboratory Corporation of America, LabCorp); PubMed 37648803 (cited by Women's Health and Genetics/Laboratory Corporation of America, LabCorp).